The following is an entry in ClinVar:

NM_000038.6(APC):c.933+943G>T

Gene: APC (APC regulator of WNT signaling pathway; plus strand). Cytogenetic location: 5q22.2.
Variant type: single nucleotide variant.
Coding change: c.933+943G>T on transcript NM_000038.6 (MANE Select); 943 bases into the intron after coding-DNA position 933, G replaced by T.
Molecular consequence: intron variant.
Genome position (GRCh38, 1-based): chr5:112,816,536, G>T. VCF-style: chr5-112816536-G-T. GRCh37 (hg19) VCF-style: chr5-112152233-G-T.
Other names: c.933+943G>T (NM_001354895.2, NM_001127510.3, NM_001354896.2 and 1 more transcripts); c.963+943G>T (NM_001354897.2, NM_001354902.2); c.879+943G>T (NM_001127511.3); c.858+943G>T (NM_001354898.2, NM_001354904.2); c.84+943G>T (NM_001354906.2); c.849+943G>T (NM_001354899.2); c.756+943G>T (NM_001354900.2, NM_001354901.2, NM_001354905.2).
Identifiers: ClinVar variation 83104 (VCV000083104.2), dbSNP rs79171167, ClinGen allele CA015820.

ClinVar aggregate classification (germline): other (0 of 4 stars; one submission).

Conditions:
Familial colorectal cancer. Identifiers: MedGen CN280943, MONDO:0023113. Disease mechanism: loss of function.

Submission:

Systems Biology Platform Zhejiang California International NanoSystems Institute
Classification: other for Familial colorectal cancer. Review status: no assertion criteria provided. Collection method: not provided. Allele origin: unknown.
ClinVar note: Converted during submission from cancer to other.